The following is an entry in ClinVar:

ClinVar aggregate classification (germline): Pathogenic (0 of 4 stars; one submission).

Conditions:
CUBN-related disorder. Also called: CUBN-related condition.

Submission:

PreventionGenetics, part of Exact Sciences
Classification: Pathogenic for CUBN-related condition. Last evaluated: 2024-04-06. Review status: no assertion criteria provided. Collection method: clinical testing. Allele origin: germline.
Comment: The CUBN c.6576_6579delTGTT variant is predicted to result in a frameshift and premature protein termination (p.Val2193Serfs*22). To our knowledge, this variant has not been reported in the literature or in a large population database, indicating this variant is rare. Frameshift variants in CUBN are expected to be pathogenic. This variant is interpreted as pathogenic.

NM_001081.4(CUBN):c.6576_6579del (p.Val2193fs)

Gene: CUBN (cubilin; minus strand). Cytogenetic location: 10p13.
Variant type: Microsatellite.
Coding change: c.6576_6579del on transcript NM_001081.4 (MANE Select); coding-DNA positions 6576 to 6579, 4 bases deleted (TGTT; older notation c.6576_6579delTGTT).
Protein change: p.Val2193fs; shifts the reading frame from valine 2193.
Molecular consequence: frameshift variant.
Genome position (GRCh38, 1-based): chr10:16,925,308-16,925,311, AACA deleted on the plus strand (TGTT on the coding strand, the reverse complement: CUBN is on the minus strand); deleting any 4 consecutive bases within chr10:16,925,308-16,925,315 gives the same sequence; the c. name uses the placement nearest the transcript's 3' end. VCF-style (leftmost placement, unchanged base first): chr10-16925307-GAACA-G. GRCh37 (hg19) VCF-style: chr10-16967306-GAACA-G.
Other names: c.6572_6575TGTT[1], p.Val2193Serfs (NM_001081.3); c.6576_6579delTGTT (NM_001081.3); short protein forms V2193fs.
Identifiers: ClinVar variation 3347272 (VCV003347272.1).